The following is an entry in ClinVar:

NM_005654.6(NR2F1):c.953A>G (p.Glu318Gly)

Gene: NR2F1 (nuclear receptor subfamily 2 group F member 1; plus strand). Cytogenetic location: 5q15.
Variant type: single nucleotide variant.
Coding change: c.953A>G on transcript NM_005654.6 (MANE Select); coding-DNA position 953, A replaced by G.
Protein change: p.Glu318Gly; replaces glutamic acid 318 with glycine.
Molecular consequence: missense variant.
Genome position (GRCh38, 1-based): chr5:93,588,406, A>G. VCF-style: chr5-93588406-A-G. GRCh37 (hg19) VCF-style: chr5-92924112-A-G.
Other names: short protein forms E318G.
Identifiers: ClinVar variation 1068140 (VCV001068140.9), dbSNP rs2149943173, ClinGen allele CA360527451.

ClinVar aggregate classification (germline): Likely pathogenic (1 of 4 stars; one submission).

Submission:

Labcorp Genetics (formerly Invitae), Labcorp
Classification: Likely pathogenic. Last evaluated: 2020-04-01. Review status: criteria provided, single submitter. Criteria: Invitae Variant Classification Sherloc (09022015). Collection method: clinical testing. Allele origin: germline.
Comment: In summary, the currently available evidence indicates that the variant is pathogenic, but additional data are needed to prove that conclusively. Therefore, this variant has been classified as Likely Pathogenic. Algorithms developed to predict the effect of missense changes on protein structure and function are either unavailable or do not agree on the potential impact of this missense change (SIFT: "Deleterious"; PolyPhen-2: "Probably Damaging"; Align-GVGD: "Class C0"). This variant has been observed in individual(s) with clinical features of Bosch-Boonstra-Schaaf optic atrophy syndrome (Invitae). In at least one individual the variant was observed to be de novo. This variant is not present in population databases (ExAC no frequency). This sequence change replaces glutamic acid with glycine at codon 318 of the NR2F1 protein (p.Glu318Gly). The glutamic acid residue is highly conserved and there is a moderate physicochemical difference between glutamic acid and glycine.